The following is an entry in ClinVar:

ClinVar aggregate classification (germline): Benign/Likely benign. Review status: criteria provided, multiple submitters, no conflicts (2 of 4 stars). 2 submissions from 2 submitters: Benign (1); Likely benign (1). Last evaluated 2025-02-28.

Conditions:
Hereditary cancer-predisposing syndrome. Also called: Hereditary Cancer Syndrome; Hereditary neoplastic syndrome; Neoplastic Syndromes, Hereditary; Tumor predisposition. Identifiers: Orphanet 140162, MedGen C0027672, MeSH D009386, MONDO:0015356.
Pheochromocytoma/paraganglioma syndrome 5. Also called: Paragangliomas 5; SDHA-Related Hereditary Paraganglioma-Pheochromocytoma Syndrome. Identifiers: Orphanet 29072, MedGen C3279992, MONDO:0013602, OMIM 614165.

Submissions (2):

Myriad Genetics, Inc.
Classification: Benign for Pheochromocytoma/paraganglioma syndrome 5. Last evaluated: 2025-02-28. Review status: criteria provided, single submitter. Criteria: Myriad Autosomal Dominant, Autosomal Recessive and X-Linked Classification Criteria (2023). Collection method: clinical testing. Allele origin: unknown.
Comment: This variant is considered benign. This variant is a silent/synonymous amino acid change and it is not expected to impact splicing.

Ambry Genetics
Classification: Likely benign for Hereditary cancer-predisposing syndrome. Last evaluated: 2020-07-21. Review status: criteria provided, single submitter. Criteria: Ambry Variant Classification Scheme 2023. Collection method: clinical testing. Allele origin: germline.

NM_004168.4(SDHA):c.495T>C (p.Asp165=)

Gene: SDHA (succinate dehydrogenase complex flavoprotein subunit A; plus strand). Cytogenetic location: 5p15.33.
Variant type: single nucleotide variant.
Coding change: c.495T>C on transcript NM_004168.4 (MANE Select); coding-DNA position 495, T replaced by C.
Protein change: p.Asp165=; no amino-acid change (aspartic acid 165 retained).
Molecular consequence: synonymous variant.
Genome position (GRCh38, 1-based): chr5:225,921, T>C. VCF-style: chr5-225921-T-C. GRCh37 (hg19) VCF-style: chr5-226036-T-C.
Other names: c.351T>C, p.Asp117= (NM_001294332.2); c.495T>C, p.Asp165= (NM_001330758.2).
Identifiers: ClinVar variation 1744405 (VCV001744405.3), dbSNP rs2477299331, ClinGen allele CA442691102.